The following is an entry in ClinVar:

ClinVar aggregate classification (germline): Uncertain significance (1 of 4 stars; one submission).

gnomAD v4.1: 6 of 1,614,086 alleles (0.00037%); highest among the groups gnomAD compares: African/African-American, 0.0027%; no homozygotes.

Submission:

Labcorp Genetics (formerly Invitae), Labcorp
Classification: Uncertain significance. Last evaluated: 2025-03-13. Review status: criteria provided, single submitter. Criteria: Invitae Variant Classification Sherloc (09022015). Collection method: clinical testing. Allele origin: germline.
Comment: This sequence change replaces valine, which is neutral and non-polar, with isoleucine, which is neutral and non-polar, at codon 1706 of the POLR1A protein (p.Val1706Ile). This variant is present in population databases (rs751227263, gnomAD 0.0009%). This variant has not been reported in the literature in individuals affected with POLR1A-related conditions. Invitae Evidence Modeling of protein sequence and biophysical properties (such as structural, functional, and spatial information, amino acid conservation, physicochemical variation, residue mobility, and thermodynamic stability) has been performed for this missense variant. However, the output from this modeling did not meet the statistical confidence thresholds required to predict the impact of this variant on POLR1A protein function. In summary, the available evidence is currently insufficient to determine the role of this variant in disease. Therefore, it has been classified as a Variant of Uncertain Significance.

NM_015425.6(POLR1A):c.5116G>A (p.Val1706Ile)

Gene: POLR1A (RNA polymerase I subunit A; minus strand). Cytogenetic location: 2p11.2.
Variant type: single nucleotide variant.
Coding change: c.5116G>A on transcript NM_015425.6 (MANE Select); coding-DNA position 5116, G replaced by A.
Protein change: p.Val1706Ile; replaces valine 1706 with isoleucine.
Molecular consequence: missense variant.
Genome position (GRCh38, 1-based): chr2:86,027,470, C>T on the plus strand (G>A on the coding strand, the complement: POLR1A is on the minus strand). VCF-style: chr2-86027470-C-T. GRCh37 (hg19) VCF-style: chr2-86254593-C-T.
Other names: short protein forms V1706I.
Identifiers: ClinVar variation 4692075 (VCV004692075.1).
Genomic context (GRCh38, chr2:86,027,470, plus strand): 5'-GCCGGGGTAGCTGCTATCTCAGAGGCTGCTTGAGCTCGAACAGGCCTGTCCCGCCCCTGA[C>T]GACCTTCCCGACCACAAGGCAGGCAGAAGGAGACCTCAGCTCATCGTGGGATCCTGACAG-3'
Protein context (NP_056240.2, residues 1696-1716): PSACLVVGKV[Val1706Ile]RGGTGLFELK